The following is an entry in ClinVar:

NM_018993.4(RIN2):c.1866G>T (p.Lys622Asn)

Gene: RIN2 (Ras and Rab interactor 2; plus strand). Cytogenetic location: 20p11.23.
Variant type: single nucleotide variant.
Coding change: c.1866G>T on transcript NM_018993.4 (MANE Select); coding-DNA position 1866, G replaced by T.
Protein change: p.Lys622Asn; replaces lysine 622 with asparagine.
Molecular consequence: missense variant.
Genome position (GRCh38, 1-based): chr20:19,990,109, G>T. VCF-style: chr20-19990109-G-T. GRCh37 (hg19) VCF-style: chr20-19970753-G-T.
Other names: c.2013G>T, p.Lys671Asn (NM_001242581.2); c.1248G>T, p.Lys416Asn (NM_001378238.1); c.1866G>T (NM_018993.3); short protein forms K622N, K671N, K416N.
Identifiers: ClinVar variation 1393997 (VCV001393997.6), dbSNP rs1392479143, ClinGen allele CA408365224.

ClinVar aggregate classification (germline): Uncertain significance. Review status: criteria provided, multiple submitters, no conflicts (2 of 4 stars). 2 submissions from 2 submitters: Uncertain significance (2). Last evaluated 2023-11-06.

Conditions:
Inborn genetic diseases. Identifiers: MedGen C0950123, MeSH D030342.

Allele frequency attached by ClinVar (database versions not stated): gnomAD exomes below 0.00001; gnomAD 0.00002 and 0.00003; TOPMed 0.00013.
gnomAD v4.1: 8 of 1,600,840 alleles (0.0005%); highest among the groups gnomAD compares: Admixed American, 0.0069%; no homozygotes.

Submissions (2):

Ambry Genetics
Classification: Uncertain significance for Inborn genetic diseases. Last evaluated: 2023-11-06. Review status: criteria provided, single submitter. Criteria: Ambry Variant Classification Scheme 2023. Collection method: clinical testing. Allele origin: germline.

Labcorp Genetics (formerly Invitae), Labcorp
Classification: Uncertain significance. Last evaluated: 2021-09-17. Review status: criteria provided, single submitter. Criteria: Invitae Variant Classification Sherloc (09022015). Collection method: clinical testing. Allele origin: germline.
Comment: This sequence change replaces lysine with asparagine at codon 622 of the RIN2 protein (p.Lys622Asn). The lysine residue is moderately conserved and there is a moderate physicochemical difference between lysine and asparagine. This variant is not present in population databases (ExAC no frequency). This variant has not been reported in the literature in individuals affected with RIN2-related conditions. Algorithms developed to predict the effect of missense changes on protein structure and function are either unavailable or do not agree on the potential impact of this missense change (SIFT: "Deleterious"; PolyPhen-2: "Not Available"; Align-GVGD: "Class C0"). In summary, the available evidence is currently insufficient to determine the role of this variant in disease. Therefore, it has been classified as a Variant of Uncertain Significance.